The following is an entry in ClinVar:

ClinVar aggregate classification (germline): Uncertain significance (1 of 4 stars; one submission).

Submission:

CeGaT Center for Human Genetics Tuebingen
Classification: Uncertain significance. Last evaluated: 2026-09-01. Review status: criteria provided, single submitter. Criteria: CeGaT Center For Human Genetics Tuebingen Variant Classification Criteria Version 2. Collection method: clinical testing. Allele origin: germline. Affected: yes. Observed: 1 variant allele.
Comment: PRKDC: PM2, BP4

NM_006904.7(PRKDC):c.2518C>G (p.Leu840Val)

Gene: PRKDC (protein kinase, DNA-activated, catalytic subunit; minus strand). Cytogenetic location: 8q11.21.
Variant type: single nucleotide variant.
Coding change: c.2518C>G on transcript NM_006904.7 (MANE Select); coding-DNA position 2518, C replaced by G.
Protein change: p.Leu840Val; replaces leucine 840 with valine.
Molecular consequence: missense variant.
Genome position (GRCh38, 1-based): chr8:47,918,285, G>C on the plus strand (C>G on the coding strand, the complement: PRKDC is on the minus strand). VCF-style: chr8-47918285-G-C. GRCh37 (hg19) VCF-style: chr8-48830845-G-C.
Other names: c.2518C>G, p.Leu840Val (NM_001081640.2); short protein forms L840V.
Identifiers: ClinVar variation 5041667 (VCV005041667.1).